The following is an entry in ClinVar:

NM_013275.6(ANKRD11):c.4135_4152del (p.Asp1379_Gly1384del)

Gene: ANKRD11 (ankyrin repeat domain containing 11; minus strand). Cytogenetic location: 16q24.3.
Variant type: Deletion.
Coding change: c.4135_4152del on transcript NM_013275.6 (MANE Select); coding-DNA positions 4135 to 4152, 18 bases deleted (GATTACAAGGAGGGCGGT).
Protein change: p.Asp1379_Gly1384del.
Molecular consequence: inframe deletion.
Genome position (GRCh38, 1-based): chr16:89,282,390-89,282,407, ACCGCCCTCCTTGTAATC deleted on the plus strand (GATTACAAGGAGGGCGGT on the coding strand, the reverse complement: ANKRD11 is on the minus strand). VCF-style (leftmost placement, unchanged base first): chr16-89282389-TACCGCCCTCCTTGTAATC-T. GRCh37 (hg19) VCF-style: chr16-89348797-TACCGCCCTCCTTGTAATC-T.
Other names: c.4135_4152del, p.Asp1379_Gly1384del (NM_001256182.2, NM_001256183.2).
Identifiers: ClinVar variation 2581914 (VCV002581914.1), dbSNP rs2544234060, ClinGen allele CA2582342603.

ClinVar aggregate classification (germline): Uncertain significance (1 of 4 stars; one submission).

Submission:

GeneDx
Classification: Uncertain significance. Last evaluated: 2023-03-31. Review status: criteria provided, single submitter. Criteria: GeneDx Variant Classification Process June 2021. Collection method: clinical testing. Allele origin: germline. Affected: yes.
Comment: Not observed at significant frequency in large population cohorts (gnomAD); In-frame deletion of 6 amino acids in a non-repeat region; In silico analysis supports a deleterious effect on protein structure/function; Has not been previously published as pathogenic or benign to our knowledge